The following is an entry in ClinVar:

ClinVar aggregate classification (germline): Uncertain significance (1 of 4 stars; one submission).

Conditions:
Neuroblastoma, susceptibility to, 3. Also called: ALK-Related Neuroblastic Tumor Susceptibility. Identifiers: Orphanet 635, MedGen C2751681, MONDO:0013083, OMIM 613014.

Submission:

Labcorp Genetics (formerly Invitae), Labcorp
Classification: Uncertain significance for Neuroblastoma, susceptibility to, 3. Last evaluated: 2019-06-13. Review status: criteria provided, single submitter. Criteria: Invitae Variant Classification Sherloc (09022015). Collection method: clinical testing. Allele origin: germline.
Comment: This variant is not present in population databases (ExAC no frequency). In summary, the available evidence is currently insufficient to determine the role of this variant in disease. Therefore, it has been classified as a Variant of Uncertain Significance. Algorithms developed to predict the effect of missense changes on protein structure and function are either unavailable or do not agree on the potential impact of this missense change (SIFT: "Deleterious"; PolyPhen-2: "Probably Damaging"; Align-GVGD: "Class C0"). This variant has not been reported in the literature in individuals with ALK-related disease. This sequence change replaces proline with alanine at codon 1357 of the ALK protein (p.Pro1357Ala). The proline residue is highly conserved and there is a small physicochemical difference between proline and alanine.

NM_004304.5(ALK):c.4069C>G (p.Pro1357Ala)

Gene: ALK (ALK receptor tyrosine kinase; minus strand). Cytogenetic location: 2p23.2.
Variant type: single nucleotide variant.
Coding change: c.4069C>G on transcript NM_004304.5 (MANE Select); coding-DNA position 4069, C replaced by G.
Protein change: p.Pro1357Ala; replaces proline 1357 with alanine.
Molecular consequence: missense variant.
Genome position (GRCh38, 1-based): chr2:29,197,546, G>C on the plus strand (C>G on the coding strand, the complement: ALK is on the minus strand). VCF-style: chr2-29197546-G-C. GRCh37 (hg19) VCF-style: chr2-29420412-G-C.
Other names: c.865C>G, p.Pro289Ala (NM_001353765.2); short protein forms P1357A, P289A.
Identifiers: ClinVar variation 639789 (VCV000639789.10), dbSNP rs1573084515, ClinGen allele CA346465777.